The following is an entry in ClinVar:

NM_000238.4(KCNH2):c.2377_2390del (p.Asp793fs)

Gene: KCNH2 (potassium voltage-gated channel subfamily H member 2; minus strand). Cytogenetic location: 7q36.1.
Variant type: Deletion.
Coding change: c.2377_2390del on transcript NM_000238.4 (MANE Select); coding-DNA positions 2377 to 2390, 14 bases deleted (GACGTCGTCGTGGC).
Protein change: p.Asp793fs; shifts the reading frame from aspartic acid 793.
Molecular consequence: frameshift variant. On other transcripts: non-coding transcript variant (2).
Genome position (GRCh38, 1-based): chr7:150,950,176-150,950,189, GCCACGACGACGTC deleted on the plus strand (GACGTCGTCGTGGC on the coding strand, the reverse complement: KCNH2 is on the minus strand); deleting any 14 consecutive bases within chr7:150,950,176-150,950,192 gives the same sequence; the c. name uses the placement nearest the transcript's 3' end. VCF-style (leftmost placement, unchanged base first): chr7-150950175-GGCCACGACGACGTC-G. GRCh37 (hg19) VCF-style: chr7-150647263-GGCCACGACGACGTC-G.
Other names: c.2377_2390del, p.Asp793fs (NM_172056.3); c.1357_1370del, p.Asp453fs (NM_172057.3, NM_001204798.2); c.2089_2102del, p.Asp697fs (NM_001406753.1, NM_001406756.1); c.2200_2213del, p.Asp734fs (NM_001406755.1); c.2077_2090del, p.Asp693fs (NM_001406757.1); c.2377_2390del14 (NM_000238.3); short protein forms D453fs, D693fs, D697fs, D734fs, D793fs.
Identifiers: ClinVar variation 3602222 (VCV003602222.2).

ClinVar aggregate classification (germline): Pathogenic. Review status: criteria provided, multiple submitters, no conflicts (2 of 4 stars). 2 submissions from 2 submitters: Pathogenic (2). Last evaluated 2026-09-10.

Conditions:
Cardiovascular phenotype. Identifiers: MedGen CN230736.

Submissions (2):

Ambry Genetics
Classification: Pathogenic for Cardiovascular phenotype. Last evaluated: 2026-09-10. Review status: criteria provided, single submitter. Criteria: Ambry Variant Classification Scheme 2023. Collection method: clinical testing. Allele origin: germline.
Comment: The c.2377_2390del14 pathogenic mutation, located in coding exon 9 of the KCNH2 gene, results from a deletion of 14 nucleotides at nucleotide positions 2377 to 2390, causing a translational frameshift with a predicted alternate stop codon (p.D793Hfs*6). This variant is considered to be rare based on population cohorts in the Genome Aggregation Database (gnomAD). This alteration is expected to result in loss of function by premature protein truncation or nonsense-mediated mRNA decay. As such, this alteration is interpreted as a disease-causing mutation.

GeneDx
Classification: Pathogenic. Last evaluated: 2024-07-31. Review status: criteria provided, single submitter. Criteria: GeneDx Variant Classification Process June 2021. Collection method: clinical testing. Allele origin: germline. Affected: yes.
Comment: Has not been previously published as pathogenic or benign to our knowledge; Not observed at significant frequency in large population cohorts (gnomAD); Frameshift variant predicted to result in protein truncation or nonsense mediated decay in a gene for which loss-of-function is a known mechanism of disease